The following is an entry in ClinVar:

ClinVar aggregate classification (germline): Likely benign. Review status: criteria provided, multiple submitters, no conflicts (2 of 4 stars). 3 submissions from 3 submitters: Likely benign (2). 1 of the submissions does not count toward it. Last evaluated 2025-12-17.

Conditions:
CAPN5-related disorder. Also called: CAPN5-related condition.

Allele frequency attached by ClinVar (database versions not stated): gnomAD exomes 0.00011 and 0.00021; ExAC 0.00020; gnomAD 0.00075 and 0.00079; ESP Exome Variant Server 0.00077; TOPMed 0.00090; 1000 Genomes Project 0.00140; 1000 Genomes Project 30x 0.00187.
gnomAD v4.1: 276 of 1,613,990 alleles (0.017%); highest among the groups gnomAD compares: African/African-American, 0.26%; 1 homozygote.

Submissions (3):

Labcorp Genetics (formerly Invitae), Labcorp
Classification: Likely benign. Last evaluated: 2025-12-17. Review status: criteria provided, single submitter. Criteria: Invitae Variant Classification Sherloc (09022015). Collection method: clinical testing. Allele origin: germline.

Blueprint Genetics
Classification: Likely benign. Last evaluated: 2024-11-01. Review status: criteria provided, single submitter. Criteria: ACMG Guidelines, 2015. Collection method: clinical testing. Allele origin: germline.

PreventionGenetics, part of Exact Sciences
Classification: Likely benign for CAPN5-related condition. Last evaluated: 2024-08-12. Review status: no assertion criteria provided. Collection method: clinical testing. Allele origin: germline. Not counted in ClinVar's aggregate classification.
Comment: This variant is classified as likely benign based on ACMG/AMP sequence variant interpretation guidelines (Richards et al. 2015 PMID: 25741868, with internal and published modifications).

NM_004055.5(CAPN5):c.1837C>T (p.Arg613Trp)

Gene: CAPN5 (calpain 5; plus strand). Cytogenetic location: 11q13.5.
Variant type: single nucleotide variant.
Coding change: c.1837C>T on transcript NM_004055.5 (MANE Select); coding-DNA position 1837, C replaced by T.
Protein change: p.Arg613Trp; replaces arginine 613 with tryptophan.
Molecular consequence: missense variant.
Genome position (GRCh38, 1-based): chr11:77,123,784, C>T. VCF-style: chr11-77123784-C-T. GRCh37 (hg19) VCF-style: chr11-76834830-C-T.
Other names: c.1837C>T (NM_004055.4); short protein forms R613W.
Identifiers: ClinVar variation 1103338 (VCV001103338.11), dbSNP rs114632044, ClinGen allele CA6196931.